The following is an entry in ClinVar:

NM_017671.5(FERMT1):c.1037C>T (p.Ala346Val)

Gene: FERMT1 (FERM domain containing kindlin 1; minus strand). Cytogenetic location: 20p12.3.
Variant type: single nucleotide variant.
Coding change: c.1037C>T on transcript NM_017671.5 (MANE Select); coding-DNA position 1037, C replaced by T.
Protein change: p.Ala346Val; replaces alanine 346 with valine.
Molecular consequence: missense variant.
Genome position (GRCh38, 1-based): chr20:6,096,954, G>A on the plus strand (C>T on the coding strand, the complement: FERMT1 is on the minus strand). VCF-style: chr20-6096954-G-A. GRCh37 (hg19) VCF-style: chr20-6077601-G-A.
Other names: short protein forms A346V.
Identifiers: ClinVar variation 1381249 (VCV001381249.3), dbSNP rs148022730, ClinGen allele CA311218413.

ClinVar aggregate classification (germline): Uncertain significance (1 of 4 stars; one submission).

Allele frequency attached by ClinVar (database versions not stated): gnomAD 0.00001; gnomAD exomes 0.00001; ESP Exome Variant Server 0.00008.
gnomAD v4.1: 11 of 1,613,772 alleles (0.00068%); highest among the groups gnomAD compares: Admixed American, 0.0017%; no homozygotes.

Submission:

Labcorp Genetics (formerly Invitae), Labcorp
Classification: Uncertain significance. Last evaluated: 2022-02-09. Review status: criteria provided, single submitter. Criteria: Invitae Variant Classification Sherloc (09022015). Collection method: clinical testing. Allele origin: germline.
Comment: This sequence change replaces alanine, which is neutral and non-polar, with valine, which is neutral and non-polar, at codon 346 of the FERMT1 protein (p.Ala346Val). This variant is present in population databases (rs148022730, gnomAD 0.003%). This variant has not been reported in the literature in individuals affected with FERMT1-related conditions. Algorithms developed to predict the effect of missense changes on protein structure and function are either unavailable or do not agree on the potential impact of this missense change (SIFT: "Tolerated"; PolyPhen-2: "Possibly Damaging"; Align-GVGD: "Class C0"). Algorithms developed to predict the effect of sequence changes on RNA splicing suggest that this variant may create or strengthen a splice site. In summary, the available evidence is currently insufficient to determine the role of this variant in disease. Therefore, it has been classified as a Variant of Uncertain Significance.